The following is an entry in ClinVar:

ClinVar aggregate classification (germline): Uncertain significance. Review status: criteria provided, multiple submitters, no conflicts (2 of 4 stars). 2 submissions from 2 submitters: Uncertain significance (2). Last evaluated 2023-05-16.

Conditions:
Cardiomyopathy (CMYO). Also called: Cardiomyopathies. Identifiers: Orphanet 167848, MedGen C0878544, MONDO:0004994, HP:0001638. Inheritance: Various modes of inheritance.

gnomAD v4.1: 2 of 1,614,232 alleles (0.00012%); no homozygotes.

Submissions (2):

All of Us Research Program, National Institutes of Health
Classification: Uncertain significance for Cardiomyopathy. Last evaluated: 2023-05-16. Review status: criteria provided, single submitter. Criteria: ACMG Guidelines, 2015. Collection method: clinical testing. Allele origin: germline. Inheritance: Autosomal dominant inheritance. Observed: 1 variant allele, 1 heterozygote.
Comment: This missense variant replaces glutamic acid with glutamine at codon 204 of the TNNT2 protein. Computational prediction is inconclusive regarding the impact of this variant on protein structure and function (internally defined REVEL score threshold 0.5 < inconclusive < 0.7, PMID: 27666373). To our knowledge, functional studies have not been reported for this variant. This variant has not been reported in individuals affected with TNNT2-related disorders in the literature. This variant has not been identified in the general population by the Genome Aggregation Database (gnomAD). The available evidence is insufficient to determine the role of this variant in disease conclusively. Therefore, this variant is classified as a Variant of Uncertain Significance.

This study involves interpretation of variants in research participants for the purpose of population health screening. Participant phenotype was not available at the time of variant classification. Additional details can be found in publication PMID: 35346344, PMCID: PMC8962531

Blueprint Genetics
Classification: Uncertain significance. Last evaluated: 2020-07-01. Review status: criteria provided, single submitter. Criteria: ACMG Guidelines, 2015. Collection method: clinical testing. Allele origin: germline.

NM_001276345.2(TNNT2):c.640G>C (p.Glu214Gln)

Gene: TNNT2 (troponin T2, cardiac type; minus strand). Cytogenetic location: 1q32.1.
Variant type: single nucleotide variant.
Coding change: c.640G>C on transcript NM_001276345.2 (MANE Select); coding-DNA position 640, G replaced by C.
Protein change: p.Glu214Gln; replaces glutamic acid 214 with glutamine.
Molecular consequence: missense variant.
Genome position (GRCh38, 1-based): chr1:201,361,992, C>G on the plus strand (G>C on the coding strand, the complement: TNNT2 is on the minus strand). VCF-style: chr1-201361992-C-G. GRCh37 (hg19) VCF-style: chr1-201331120-C-G.
Other names: c.631G>C, p.Glu211Gln (NM_000364.4, NM_001406723.1); c.610G>C, p.Glu204Gln (NM_001001430.3, NM_001276347.2, NM_001406724.1); c.601G>C, p.Glu201Gln (NM_001001431.3, NM_001406726.1, NM_001406727.1); c.592G>C, p.Glu198Gln (NM_001001432.3); c.511G>C, p.Glu171Gln (NM_001276346.2); c.607G>C, p.Glu203Gln (NM_001406725.1); c.595G>C, p.Glu199Gln (NM_001406728.1); short protein forms E171Q, E198Q, E199Q, E201Q, E203Q, E204Q, E211Q, E214Q.
Identifiers: ClinVar variation 3071202 (VCV003071202.2), dbSNP rs1325343804, ClinGen allele CA344203872.